The following is an entry in ClinVar:

NM_001130009.3(GEN1):c.916G>C (p.Asp306His)

Gene: GEN1 (GEN1 structure-specific endonuclease; plus strand). Cytogenetic location: 2p24.2.
Variant type: single nucleotide variant.
Coding change: c.916G>C on transcript NM_001130009.3 (MANE Select); coding-DNA position 916, G replaced by C.
Protein change: p.Asp306His; replaces aspartic acid 306 with histidine.
Molecular consequence: missense variant.
Genome position (GRCh38, 1-based): chr2:17,772,747, G>C. VCF-style: chr2-17772747-G-C. GRCh37 (hg19) VCF-style: chr2-17954014-G-C.
Other names: c.916G>C, p.Asp306His (NM_182625.5); short protein forms D306H.
Identifiers: ClinVar variation 4671457 (VCV004671457.1).

ClinVar aggregate classification (germline): Uncertain significance (1 of 4 stars; one submission).

gnomAD v4.1: 2 of 1,610,820 alleles (0.00012%); highest among the groups gnomAD compares: Non-Finnish European, 0.00017%; no homozygotes.

Submission:

Ambry Genetics
Classification: Uncertain significance. Last evaluated: 2025-10-01. Review status: criteria provided, single submitter. Criteria: Ambry Variant Classification Scheme 2023. Collection method: clinical testing. Allele origin: germline.
Comment: The p.D306H variant (also known as c.916G>C), located in coding exon 7 of the GEN1 gene, results from a G to C substitution at nucleotide position 916. The aspartic acid at codon 306 is replaced by histidine, an amino acid with similar properties. This amino acid position is conserved. In addition, this alteration is predicted to be tolerated by in silico analysis. Based on the available evidence, the clinical significance of this variant remains unclear.